The following is an entry in ClinVar:

NM_003482.4(KMT2D):c.8634T>C (p.Ile2878=)

Gene: KMT2D (lysine methyltransferase 2D; minus strand). Cytogenetic location: 12q13.12.
Variant type: single nucleotide variant.
Coding change: c.8634T>C on transcript NM_003482.4 (MANE Select); coding-DNA position 8634, T replaced by C.
Protein change: p.Ile2878=; no amino-acid change (isoleucine 2878 retained).
Molecular consequence: synonymous variant.
Genome position (GRCh38, 1-based): chr12:49,038,722, A>G on the plus strand (T>C on the coding strand, the complement: KMT2D is on the minus strand). VCF-style: chr12-49038722-A-G. GRCh37 (hg19) VCF-style: chr12-49432505-A-G.
Identifiers: ClinVar variation 3706510 (VCV003706510.3).

ClinVar aggregate classification (germline): Likely benign. Review status: criteria provided, multiple submitters, no conflicts (2 of 4 stars). 2 submissions from 2 submitters: Likely benign (2). Last evaluated 2026-03-17.

Conditions:
Kabuki syndrome. Also called: Kabuki make-up syndrome; NIIKAWA-KUROKI SYNDROME. Identifiers: Orphanet 2322, MedGen C0796004, MONDO:0016512.
KMT2D-related disorder. Also called: KMT2D-Related Disorders.

gnomAD v4.1: 11 of 1,609,798 alleles (0.00068%); highest among the groups gnomAD compares: Non-Finnish European, 0.00093%; no homozygotes.

Submissions (2):

PreventionGenetics, part of Exact Sciences
Classification: Likely benign for KMT2D-related condition. Last evaluated: 2026-03-17. Review status: criteria provided, single submitter. Criteria: ACMG Guidelines, 2015. Collection method: clinical testing. Allele origin: germline.
Comment: This variant is classified as likely benign based on ACMG/AMP sequence variant interpretation guidelines (Richards et al. 2015 PMID: 25741868, with internal and published modifications).

Labcorp Genetics (formerly Invitae), Labcorp
Classification: Likely benign for Kabuki syndrome. Last evaluated: 2024-08-16. Review status: criteria provided, single submitter. Criteria: Invitae Variant Classification Sherloc (09022015). Collection method: clinical testing. Allele origin: germline.